The following is an entry in ClinVar:

NM_017654.4(SAMD9):c.1669A>T (p.Ile557Phe)

Gene: SAMD9 (sterile alpha motif domain containing 9; minus strand). Cytogenetic location: 7q21.2.
Variant type: single nucleotide variant.
Coding change: c.1669A>T on transcript NM_017654.4 (MANE Select); coding-DNA position 1669, A replaced by T.
Protein change: p.Ile557Phe; replaces isoleucine 557 with phenylalanine.
Molecular consequence: missense variant.
Genome position (GRCh38, 1-based): chr7:93,104,429, T>A on the plus strand (A>T on the coding strand, the complement: SAMD9 is on the minus strand). VCF-style: chr7-93104429-T-A. GRCh37 (hg19) VCF-style: chr7-92733742-T-A.
Other names: c.1669A>T, p.Ile557Phe (NM_001193307.2); short protein forms I557F.
Identifiers: ClinVar variation 4159040 (VCV004159040.1).

ClinVar aggregate classification (germline): Uncertain significance (1 of 4 stars; one submission).

Conditions:
Inborn genetic diseases. Identifiers: MedGen C0950123, MeSH D030342.

Submission:

Ambry Genetics
Classification: Uncertain significance for Inborn genetic diseases. Last evaluated: 2025-06-28. Review status: criteria provided, single submitter. Criteria: Ambry Variant Classification Scheme 2023. Collection method: clinical testing. Allele origin: germline.
Comment: The p.I557F variant (also known as c.1669A>T), located in coding exon 1 of the SAMD9 gene, results from an A to T substitution at nucleotide position 1669. The isoleucine at codon 557 is replaced by phenylalanine, an amino acid with highly similar properties. This amino acid position is conserved. In addition, this alteration is predicted to be tolerated by in silico analysis. Based on the available evidence, the clinical significance of this variant remains unclear.